The following is an entry in ClinVar:

NM_000179.3(MSH6):c.3326T>C (p.Ile1109Thr)

Gene: MSH6 (mutS homolog 6; plus strand). Cytogenetic location: 2p16.3.
Variant type: single nucleotide variant.
Coding change: c.3326T>C on transcript NM_000179.3 (MANE Select); coding-DNA position 3326, T replaced by C.
Protein change: p.Ile1109Thr; replaces isoleucine 1109 with threonine.
Molecular consequence: missense variant. On other transcripts: non-coding transcript variant (5), intron variant (1).
Genome position (GRCh38, 1-based): chr2:47,803,573, T>C. VCF-style: chr2-47803573-T-C. GRCh37 (hg19) VCF-style: chr2-48030712-T-C.
Other names: c.2936T>C, p.Ile979Thr (NM_001281492.2); c.2420T>C, p.Ile807Thr (NM_001281493.2, NM_001281494.2, NM_001406829.1 and 6 more transcripts); c.3422T>C, p.Ile1141Thr (NM_001406795.1, NM_001406802.1); c.3326T>C, p.Ile1109Thr (NM_001406796.1, NM_001406800.1, NM_001406808.1 and 1 more transcripts); c.3029T>C, p.Ile1010Thr (NM_001406797.1, NM_001406801.1, NM_001406805.1 and 10 more transcripts); c.2801T>C, p.Ile934Thr (NM_001406799.1, NM_001406806.1, NM_001406807.1); c.2462T>C, p.Ile821Thr (NM_001406803.1); c.3248T>C, p.Ile1083Thr (NM_001406804.1); and 7 more; short protein forms I1053T, I1141T, I424T, I1083T, I821T, I934T, I1010T, I1109T.
Identifiers: ClinVar variation 3633966 (VCV003633966.2).

ClinVar aggregate classification (germline): Uncertain significance (1 of 4 stars; one submission).

Conditions:
Hereditary nonpolyposis colorectal neoplasms. Identifiers: MedGen C0009405, MeSH D003123.

Submission:

Labcorp Genetics (formerly Invitae), Labcorp
Classification: Uncertain significance for Hereditary nonpolyposis colorectal neoplasms. Last evaluated: 2024-02-29. Review status: criteria provided, single submitter. Criteria: Invitae Variant Classification Sherloc (09022015). Collection method: clinical testing. Allele origin: germline.
Comment: This sequence change replaces isoleucine, which is neutral and non-polar, with threonine, which is neutral and polar, at codon 1109 of the MSH6 protein (p.Ile1109Thr). This variant is not present in population databases (gnomAD no frequency). This variant has not been reported in the literature in individuals affected with MSH6-related conditions. Advanced modeling of protein sequence and biophysical properties (such as structural, functional, and spatial information, amino acid conservation, physicochemical variation, residue mobility, and thermodynamic stability) has been performed at Invitae for this missense variant, however the output from this modeling did not meet the statistical confidence thresholds required to predict the impact of this variant on MSH6 protein function. In summary, the available evidence is currently insufficient to determine the role of this variant in disease. Therefore, it has been classified as a Variant of Uncertain Significance.